The following is an entry in ClinVar:

NM_001414.4(EIF2B1):c.*395T>C

Gene: EIF2B1 (eukaryotic translation initiation factor 2B subunit alpha; minus strand). Cytogenetic location: 12q24.31.
Variant type: single nucleotide variant.
Coding change: c.*395T>C on transcript NM_001414.4 (MANE Select); 395 bases downstream of the stop codon, T replaced by C.
Molecular consequence: 3 prime UTR variant.
Genome position (GRCh38, 1-based): chr12:123,621,361, A>G on the plus strand (T>C on the coding strand, the complement: EIF2B1 is on the minus strand). VCF-style: chr12-123621361-A-G. GRCh37 (hg19) VCF-style: chr12-124105908-A-G.
Identifiers: ClinVar variation 307522 (VCV000307522.6), dbSNP rs1050449, ClinGen allele CA10641235.
Genomic context (GRCh38, chr12:123,621,361, plus strand): 5'-AGCAAGTGTTTCTTGCCTCTTACAAGGCACCGCGTGTAACGTCCTGACCAGCTGTTGGTC[A>G]TTTGTGGCAGAGGGGTGTGGCTGCTTTTCGCCTGCATCTCGCGTGCTTTAGGCAGATCAG-3'

ClinVar aggregate classification (germline): Benign. Review status: criteria provided, multiple submitters, no conflicts (2 of 4 stars). 2 submissions from 2 submitters: Benign (2). Last evaluated 2018-01-13.

Conditions:
Vanishing white matter disease. Also called: CACH syndrome; Childhood ataxia with diffuse central nervous system hypomyelination; Leukoencephalopathy with vanishing white matter; CACH/VWM syndrome; Cree leukoencehalopathy. Identifiers: Orphanet 135, Orphanet 99853, MedGen C1858991, MONDO:0800448.

Allele frequency attached by ClinVar (database versions not stated): 1000 Genomes Project 0.25399; 1000 Genomes Project 30x 0.25999; gnomAD exomes 0.26973; gnomAD 0.30289 and 0.30842; TOPMed 0.30971.
gnomAD v4.1: 94,771 of 332,506 alleles (29%); highest among the groups gnomAD compares: African/African-American, 42%; 14,932 homozygotes.

Submissions (2):

Illumina Laboratory Services, Illumina
Classification: Benign for Leukoencephalopathy with vanishing white matter 1. Last evaluated: 2018-01-13. Review status: criteria provided, single submitter. Criteria: ICSL Variant Classification Criteria 13 December 2019. Collection method: clinical testing. Allele origin: germline.
Comment: This variant was observed in the ICSL laboratory as part of a predisposition screen in an ostensibly healthy population. It had not been previously curated by ICSL or reported in the Human Gene Mutation Database (HGMD: prior to June 1st, 2018), and was therefore a candidate for classification through an automated scoring system. Utilizing variant allele frequency, disease prevalence and penetrance estimates, and inheritance mode, an automated score was calculated to assess if this variant is too frequent to cause the disease. Based on the score and internal cut-off values, a variant classified as benign is not then subjected to further curation. The score for this variant resulted in a classification of benign for this disease.

Breakthrough Genomics
Classification: Benign. Review status: criteria provided, single submitter. Criteria: ACMG Guidelines, 2015. Collection method: not provided. Allele origin: germline. Inheritance: Autosomal recessive inheritance. Affected: yes.